The following is an entry in ClinVar:

NM_003002.4(SDHD):c.42A>T (p.Leu14=)

Genes: SDHD (succinate dehydrogenase complex subunit D; plus strand), LOC126861339 (BRD4-independent group 4 enhancer GRCh37_chr11:111957035-111958234; plus strand). Cytogenetic location: 11q23.1.
Variant type: single nucleotide variant.
Coding change: c.42A>T on transcript NM_003002.4 (MANE Select); coding-DNA position 42, A replaced by T.
Protein change: p.Leu14=; no amino-acid change (leucine 14 retained).
Molecular consequence: synonymous variant. On other transcripts: non-coding transcript variant (1).
Genome position (GRCh38, 1-based): chr11:112,086,949, A>T. VCF-style: chr11-112086949-A-T. GRCh37 (hg19) VCF-style: chr11-111957673-A-T.
Other names: c.42A>T, p.Leu14= (NM_001276503.2, NM_001276504.2, NM_001276506.2); c.42A>T (NM_003002.2).
Identifiers: ClinVar variation 2921737 (VCV002921737.5), dbSNP rs878854593, ClinGen allele CA476789175.

ClinVar aggregate classification (germline): Benign/Likely benign. Review status: criteria provided, multiple submitters, no conflicts (2 of 4 stars). 3 submissions from 3 submitters: Benign (1); Likely benign (2). Last evaluated 2025-05-13.

Conditions:
Hereditary cancer-predisposing syndrome. Also called: Tumor predisposition; Neoplastic Syndromes, Hereditary; Hereditary Cancer Syndrome; Hereditary neoplastic syndrome. Identifiers: Orphanet 140162, MedGen C0027672, MeSH D009386, MONDO:0015356.
Pheochromocytoma/paraganglioma syndrome 1. Also called: PARAGANGLIOMATA; Paragangliomas 1; Glomus tumors familial 1; Paraganglioma - glomus jugulare; SDHD-Related Hereditary Paraganglioma-Pheochromocytoma Syndrome; PARAGANGLIOMAS, FAMILIAL NONCHROMAFFIN, 1. Identifiers: Orphanet 29072, MedGen C3494181, MONDO:0008192, OMIM 168000.
Pheochromocytoma. Also called: MAX-Related Hereditary Paraganglioma-Pheochromocytoma Syndrome. Identifiers: Orphanet 29072, MedGen C0031511, MONDO:0008233, OMIM 171300, HP:0002666.
Carney-Stratakis syndrome. Also called: PARAGANGLIOMA AND GASTROINTESTINAL STROMAL TUMOR. Identifiers: Orphanet 97286, MedGen C1847319, MONDO:0011740, OMIM 606864.
Paragangliomas with sensorineural hearing loss. Identifiers: MedGen C1868633.
Cowden syndrome 3 (CWS3). Identifiers: Orphanet 201, MedGen CN166604, MONDO:0014045.

Submissions (3):

Labcorp Genetics (formerly Invitae), Labcorp
Classification: Likely benign for Carney-Stratakis syndrome; Paragangliomas with sensorineural hearing loss; Pheochromocytoma; Cowden syndrome 3. Last evaluated: 2025-05-13. Review status: criteria provided, single submitter. Criteria: Invitae Variant Classification Sherloc (09022015). Collection method: clinical testing. Allele origin: germline.

Myriad Genetics, Inc.
Classification: Benign for Pheochromocytoma/paraganglioma syndrome 1. Last evaluated: 2025-03-17. Review status: criteria provided, single submitter. Criteria: Myriad Autosomal Dominant, Autosomal Recessive and X-Linked Classification Criteria (2023). Collection method: clinical testing. Allele origin: unknown.
Comment: This variant is considered benign. This variant is a silent/synonymous amino acid change and it is not expected to impact splicing.

Ambry Genetics
Classification: Likely benign for Hereditary cancer-predisposing syndrome. Last evaluated: 2024-05-18. Review status: criteria provided, single submitter. Criteria: Ambry Variant Classification Scheme 2023. Collection method: clinical testing. Allele origin: germline.